The following is an entry in ClinVar:

NM_000269.3(NME1):c.-5+604G>A

Genes: NME1 (NME/NM23 nucleoside diphosphate kinase 1; plus strand), NME1-NME2 (NME1-NME2 readthrough; plus strand). Cytogenetic location: 17q21.33.
Variant type: single nucleotide variant.
Coding change: c.-5+604G>A on transcript NM_000269.3 (MANE Select); 604 bases into the intron after 5 bases upstream of the start codon, G replaced by A.
Molecular consequence: intron variant. On other transcripts: 5 prime UTR variant (1), non-coding transcript variant (1).
Genome position (GRCh38, 1-based): chr17:51,154,266, G>A. VCF-style: chr17-51154266-G-A. GRCh37 (hg19) VCF-style: chr17-49231627-G-A.
Other names: c.-108G>A (NM_198175.1); c.-5+604G>A (NM_001018136.3).
Identifiers: ClinVar variation 2688150 (VCV002688150.2), dbSNP rs11556835, ClinGen allele CA15891091.

ClinVar aggregate classification (germline): Benign (1 of 4 stars; one submission).

Allele frequency attached by ClinVar (database versions not stated): gnomAD exomes 0.48814; 1000 Genomes Project 0.48902; 1000 Genomes Project 30x 0.49375; gnomAD 0.53946; TOPMed 0.55057.
gnomAD v4.1: 486,886 of 980,686 alleles (50%); highest among the groups gnomAD compares: African/African-American, 67%; 123,333 homozygotes.

Submission:

Unidad de Genómica Garrahan, Hospital de Pediatría Garrahan
Classification: Benign. Last evaluated: 2024-01-24. Review status: criteria provided, single submitter. Criteria: ACMG Guidelines, 2015. Collection method: clinical testing. Allele origin: germline. Affected: no. Observed: 42 variant alleles.
Comment: This variant is classified as Benign based on local population frequency. This variant was detected in 44% of patients studied by a panel of primary immunodeficiencies. Number of patients: 42. Only high quality variants are reported.